The following is an entry in ClinVar:

NM_025099.6(CTC1):c.149_150delinsTT (p.Trp50Phe)

Gene: CTC1 (CST telomere replication complex component 1; minus strand). Cytogenetic location: 17p13.1.
Variant type: Indel.
Coding change: c.149_150delinsTT on transcript NM_025099.6 (MANE Select); coding-DNA positions 149 to 150, GG replaced by TT.
Protein change: p.Trp50Phe; replaces tryptophan 50 with phenylalanine.
Molecular consequence: missense variant. On other transcripts: non-coding transcript variant (1).
Genome position (GRCh38, 1-based): chr17:8,243,032-8,243,033, CC replaced by AA on the plus strand (GG replaced by TT on the coding strand, the reverse complement: CTC1 is on the minus strand). VCF-style: chr17-8243032-CC-AA. GRCh37 (hg19) VCF-style: chr17-8146350-CC-AA.
Other names: c.149_150delinsTT, p.Trp50Phe (NM_001411067.1); short protein forms W50F.
Identifiers: ClinVar variation 2911992 (VCV002911992.3), dbSNP rs2508005537, ClinGen allele CA2739267127.

ClinVar aggregate classification (germline): Uncertain significance (1 of 4 stars; one submission).

Conditions:
Dyskeratosis congenita. Identifiers: Orphanet 1775, MedGen C0265965, MONDO:0015780.

Submission:

Labcorp Genetics (formerly Invitae), Labcorp
Classification: Uncertain significance for Dyskeratosis congenita. Last evaluated: 2025-11-03. Review status: criteria provided, single submitter. Criteria: Invitae Variant Classification Sherloc (09022015). Collection method: clinical testing. Allele origin: germline.
Comment: This sequence change replaces tryptophan, which is neutral and slightly polar, with phenylalanine, which is neutral and non-polar, at codon 50 of the CTC1 protein (p.Trp50Phe). This variant is present in population databases (no rsID available, gnomAD 0.0004%). This variant has not been reported in the literature in individuals affected with CTC1-related conditions. ClinVar contains an entry for this variant (Variation ID: 2911992). An algorithm developed to predict the effect of missense changes on protein structure and function (PolyPhen-2) suggests that this variant is likely to be disruptive. In summary, the available evidence is currently insufficient to determine the role of this variant in disease. Therefore, it has been classified as a Variant of Uncertain Significance.